The following is an entry in ClinVar:

ClinVar aggregate classification (germline): Pathogenic. Review status: criteria provided, multiple submitters, no conflicts (2 of 4 stars). 7 submissions from 7 submitters: Pathogenic (7). Last evaluated 2026-01-21.

Conditions:
Cardiovascular phenotype. Identifiers: MedGen CN230736.
Cardiomyopathy (CMYO). Also called: Cardiomyopathies. Identifiers: Orphanet 167848, MedGen C0878544, MONDO:0004994, HP:0001638. Inheritance: Various modes of inheritance.
Hypertrophic cardiomyopathy. Also called: HYPERTROPHIC MYOCARDIOPATHY. Identifiers: Orphanet 217569, MedGen C0007194, MeSH D002312, MONDO:0005045, HP:0001639.

Submissions (7):

Labcorp Genetics (formerly Invitae), Labcorp
Classification: Pathogenic for Hypertrophic cardiomyopathy. Last evaluated: 2026-01-21. Review status: criteria provided, single submitter. Criteria: Invitae Variant Classification Sherloc (09022015). Collection method: clinical testing. Allele origin: germline.
Comment: This sequence change creates a premature translational stop signal (p.Pro117Leufs*42) in the MYBPC3 gene. It is expected to result in an absent or disrupted protein product. Loss-of-function variants in MYBPC3 are known to be pathogenic (PMID: 19574547). This variant is not present in population databases (gnomAD no frequency). This premature translational stop signal has been observed in individual(s) with hypertrophic cardiomyopathy (PMID: 28611029). ClinVar contains an entry for this variant (Variation ID: 42718). For these reasons, this variant has been classified as Pathogenic.

All of Us Research Program, National Institutes of Health
Classification: Pathogenic for Hypertrophic cardiomyopathy. Last evaluated: 2023-08-15. Review status: criteria provided, single submitter. Criteria: ACMG Guidelines, 2015. Collection method: clinical testing. Allele origin: germline. Inheritance: Autosomal dominant inheritance. Observed: 1 variant allele, 1 heterozygote.
Comment: This variant deletes 1 nucleotide in exon 3 of the MYBPC3 gene, creating a frameshift and premature translation stop signal. This variant is expected to result in an absent or non-functional protein product. This variant has been reported in two individuals affected with hypertrophic cardiomyopathy (PMID: 28241245, 28611029, 33495597). This variant has not been identified in the general population by the Genome Aggregation Database (gnomAD). Loss of MYBPC3 function is a known mechanism of disease. Based on the available evidence, this variant is classified as Pathogenic.

This study involves interpretation of variants in research participants for the purpose of population health screening. Participant phenotype was not available at the time of variant classification. Additional details can be found in publication PMID: 35346344, PMCID: PMC8962531

Color Diagnostics, LLC DBA Color Health
Classification: Pathogenic for Cardiomyopathy. Last evaluated: 2023-06-21. Review status: criteria provided, single submitter. Criteria: ACMG Guidelines, 2015. Collection method: clinical testing. Allele origin: germline.
Comment: This variant deletes 1 nucleotide in exon 3 of the MYBPC3 gene, creating a frameshift and premature translation stop signal. This variant is expected to result in an absent or non-functional protein product. This variant has been reported in two individuals affected with hypertrophic cardiomyopathy (PMID: 28241245, 28611029, 33495597). This variant has not been identified in the general population by the Genome Aggregation Database (gnomAD). Loss of MYBPC3 function is a known mechanism of disease. Based on the available evidence, this variant is classified as Pathogenic.

Women's Health and Genetics/Laboratory Corporation of America, LabCorp
Classification: Pathogenic for Cardiomyopathy. Last evaluated: 2022-03-29. Review status: criteria provided, single submitter. Criteria: LabCorp Variant Classification Summary - May 2015. Collection method: clinical testing. Allele origin: germline.
Comment: Variant summary: MYBPC3 c.350delC (p.Pro117LeufsX42) results in a premature termination codon, predicted to cause a truncation of the encoded protein or absence of the protein due to nonsense mediated decay, which are commonly known mechanisms for disease. Truncations downstream of this position have been classified as pathogenic by our laboratory. The variant was absent in 155646 control chromosomes (gnomAD). c.350delC has been reported in the literature in individuals affected with Hypertrophic Cardiomyopathy (Ho_2018, Haskell_2017). These data indicate that the variant may be associated with disease. To our knowledge, no experimental evidence demonstrating an impact on protein function has been reported. Three ClinVar submitters (evaluation after 2014) cite the variant as pathogenic. Based on the evidence outlined above, the variant was classified as pathogenic.

Ambry Genetics
Classification: Pathogenic for Cardiovascular phenotype. Last evaluated: 2020-09-28. Review status: criteria provided, single submitter. Criteria: Ambry General Variant Classification Scheme_2022. Collection method: clinical testing. Allele origin: germline. Observed: 1 variant allele.
Comment: The c.350delC pathogenic mutation, located in coding exon 3 of the MYBPC3 gene, results from a deletion of one nucleotide at nucleotide position 350, causing a translational frameshift with a predicted alternate stop codon (p.P117Lfs*42). This mutation has been reported in one individual with hypertrophic cardiomyopathy from an exome testing cohort (Haskell GT et al. Circ Cardiovasc Genet, 2017 Jun;10:[Epub ahead of print]). In addition to the clinical data presented in the literature, this alteration is expected to result in loss of function by premature protein truncation or nonsense-mediated mRNA decay. As such, this alteration is interpreted as a disease-causing mutation.

GeneDx
Classification: Pathogenic. Last evaluated: 2017-04-20. Review status: criteria provided, single submitter. Criteria: GeneDx Variant Classification (06012015). Collection method: clinical testing. Allele origin: germline. Affected: yes.
Comment: Although the c.350delC pathogenic variant in the MYBPC3 gene has not been reported to our knowledge, it has been classified as pathogenic by another clinical laboratory in ClinVar (SCV000059244.4; Landrum et al., 2016). The c.350delC variant causes a shift in reading frame starting at codon proline 117, changing it to a leucine, and creating a premature stop codon at position 42 of the new reading frame, denoted p.Pro117LeufsX42. This pathogenic variant is expected to result in either an abnormal, truncated protein product or loss of protein from this allele through nonsense-mediated mRNA decay. Other frameshift variants in the MYBPC3 gene have been reported in Human Gene Mutation Database in association with cardiomyopathy (Stenson et al., 2014), indicating that loss of function is a mechanism of disease for this gene. Furthermore, the c.350delC variant has not been observed in large population cohorts (Lek et al., 2016; 1000 Genomes Consortium et al., 2015; Exome Variant Server).

Laboratory for Molecular Medicine, Mass General Brigham Personalized Medicine
Classification: Pathogenic for Hypertrophic cardiomyopathy. Last evaluated: 2011-10-12. Review status: criteria provided, single submitter. Criteria: LMM Criteria. Collection method: clinical testing. Allele origin: germline. Inheritance: Autosomal dominant inheritance. Observed: 2 variant alleles.
Comment: The Pro117fs variant has not been previously reported nor previously identified by our laboratory. This variant is predicted to cause a frameshift, which alters the protein's amino acid sequence beginning at codon 117 and leads to a prematu re stop codon 42 amino acids downstream. This alteration is then predicted to l ead to a truncated or absent protein. Loss of function is an established mechan ism of disease for the MYBPC3 gene, which makes it highly likely that the Pro117 fs variant is pathogenic.

Literature cited by the submitters: PubMed 19574547 (cited by Labcorp Genetics (formerly Invitae), Labcorp); PubMed 28611029 (cited by 5 submitters); PubMed 28241245 (cited by 3 submitters); PubMed 33495597 (cited by All of Us Research Program, National Institutes of Health and Color Diagnostics, LLC DBA Color Health).

NM_000256.3(MYBPC3):c.350del (p.Pro117fs)

Gene: MYBPC3 (myosin binding protein C3; minus strand). Cytogenetic location: 11p11.2.
Variant type: Deletion.
Coding change: c.350del on transcript NM_000256.3 (MANE Select); coding-DNA position 350, one base deleted (C; older notation c.350delC).
Protein change: p.Pro117fs; shifts the reading frame from proline 117.
Molecular consequence: frameshift variant.
Genome position (GRCh38, 1-based): chr11:47,350,558, G deleted on the plus strand (C on the coding strand, the reverse complement: MYBPC3 is on the minus strand); the first of 4 consecutive G bases (chr11:47,350,558-47,350,561); deleting any one gives the same sequence. VCF-style (leftmost placement, unchanged base first): chr11-47350557-AG-A. GRCh37 (hg19) VCF-style: chr11-47372108-AG-A.
Other names: c.350del, p.Pro117fs (LRG_386t1); c.350delC (NM_000256.3); short protein forms P117fs.
Identifiers: ClinVar variation 42718 (VCV000042718.16), dbSNP rs397516023, ClinGen allele CA014290.